The following is an entry in ClinVar:

NM_032193.4(RNASEH2C):c.98C>T (p.Pro33Leu)

Genes: RNASEH2C (ribonuclease H2 subunit C; minus strand), LOC130006061 (ATAC-STARR-seq lymphoblastoid silent region 3553; plus strand). Cytogenetic location: 11q13.1.
Variant type: single nucleotide variant.
Coding change: c.98C>T on transcript NM_032193.4 (MANE Select); coding-DNA position 98, C replaced by T.
Protein change: p.Pro33Leu; replaces proline 33 with leucine.
Molecular consequence: missense variant.
Genome position (GRCh38, 1-based): chr11:65,720,661, G>A on the plus strand (C>T on the coding strand, the complement: RNASEH2C is on the minus strand). VCF-style: chr11-65720661-G-A. GRCh37 (hg19) VCF-style: chr11-65488132-G-A.
Other names: short protein forms P33L.
Identifiers: ClinVar variation 1346350 (VCV001346350.3), dbSNP rs11557810, ClinGen allele CA224000195.
Genomic context (GRCh38, chr11:65,720,661, plus strand): 5'-CGGATGGCGGGCGTGAAGAAGCGCCCCACCGGGGCGGGCCCGTCCACCGCAACCTCGCAG[G>A]GCAGCAGATGCAGTGTGGCGGGTACGGCGTCGCGCAATGTGGCGGAGCGCAAGTGGACGC-3'
Protein context (NP_115569.2, residues 23-43): DAVPATLHLL[Pro33Leu]CEVAVDGPAP

ClinVar aggregate classification (germline): Uncertain significance (1 of 4 stars; one submission).

Conditions:
Aicardi-Goutieres syndrome 3. Identifiers: Orphanet 51, MedGen C1835916, MONDO:0012471, OMIM 610329.

Allele frequency attached by ClinVar (database versions not stated): gnomAD 0.00001.

Submission:

Labcorp Genetics (formerly Invitae), Labcorp
Classification: Uncertain significance for Aicardi-Goutieres syndrome 3. Last evaluated: 2022-07-06. Review status: criteria provided, single submitter. Criteria: Invitae Variant Classification Sherloc (09022015). Collection method: clinical testing. Allele origin: germline.
Comment: This sequence change replaces proline, which is neutral and non-polar, with leucine, which is neutral and non-polar, at codon 33 of the RNASEH2C protein (p.Pro33Leu). This variant is not present in population databases (gnomAD no frequency). This variant has not been reported in the literature in individuals affected with RNASEH2C-related conditions. ClinVar contains an entry for this variant (Variation ID: 1346350). Algorithms developed to predict the effect of missense changes on protein structure and function are either unavailable or do not agree on the potential impact of this missense change (SIFT: "Deleterious"; PolyPhen-2: "Probably Damaging"; Align-GVGD: "Class C0"). In summary, the available evidence is currently insufficient to determine the role of this variant in disease. Therefore, it has been classified as a Variant of Uncertain Significance.